The following is an entry in ClinVar:

NM_003060.4(SLC22A5):c.1540G>A (p.Gly514Ser)

Gene: SLC22A5 (solute carrier family 22 member 5; plus strand). Cytogenetic location: 5q31.1.
Variant type: single nucleotide variant.
Coding change: c.1540G>A on transcript NM_003060.4 (MANE Select); coding-DNA position 1540, G replaced by A.
Protein change: p.Gly514Ser; replaces glycine 514 with serine.
Molecular consequence: missense variant.
Genome position (GRCh38, 1-based): chr5:132,393,765, G>A. VCF-style: chr5-132393765-G-A. GRCh37 (hg19) VCF-style: chr5-131729457-G-A.
Other names: c.1612G>A, p.Gly538Ser (NM_001308122.2); short protein forms G514S, G538S.
Identifiers: ClinVar variation 1381680 (VCV001381680.5), dbSNP rs551153027, ClinGen allele CA3404189.

ClinVar aggregate classification (germline): Uncertain significance (1 of 4 stars; one submission).

Conditions:
Renal carnitine transport defect (CDSP). Also called: Carnitine transporter deficiency; Carnitine Deficiency, Systemic; Systemic primary carnitine deficiency disease; CARNITINE DEFICIENCY, SYSTEMIC, DUE TO DEFECT IN RENAL REABSORPTION OF CARNITINE; CARNITINE TRANSPORTER, PLASMA-MEMBRANE, DEFICIENCY OF; CARNITINE UPTAKE DEFECT. Identifiers: Orphanet 158, MedGen C0342788, MONDO:0008919, OMIM 212140.

Allele frequency attached by ClinVar (database versions not stated): gnomAD 0.00001 and 0.00002; gnomAD exomes 0.00001 and 0.00003; ExAC 0.00003; TOPMed 0.00003.
gnomAD v4.1: 20 of 1,614,012 alleles (0.0012%); highest among the groups gnomAD compares: Admixed American, 0.0083%; no homozygotes.

Submission:

Labcorp Genetics (formerly Invitae), Labcorp
Classification: Uncertain significance for Renal carnitine transport defect. Last evaluated: 2022-08-10. Review status: criteria provided, single submitter. Criteria: Invitae Variant Classification Sherloc (09022015). Collection method: clinical testing. Allele origin: germline.
Comment: This sequence change replaces glycine, which is neutral and non-polar, with serine, which is neutral and polar, at codon 514 of the SLC22A5 protein (p.Gly514Ser). This variant is present in population databases (rs551153027, gnomAD 0.01%). This variant has not been reported in the literature in individuals affected with SLC22A5-related conditions. ClinVar contains an entry for this variant (Variation ID: 1381680). Advanced modeling of protein sequence and biophysical properties (such as structural, functional, and spatial information, amino acid conservation, physicochemical variation, residue mobility, and thermodynamic stability) performed at Invitae indicates that this missense variant is expected to disrupt SLC22A5 protein function. In summary, the available evidence is currently insufficient to determine the role of this variant in disease. Therefore, it has been classified as a Variant of Uncertain Significance.